The following is an entry in ClinVar:

NM_172250.3(MMAA):c.139_140del (p.Leu47fs)

Gene: MMAA (metabolism of cobalamin associated A; plus strand). Cytogenetic location: 4q31.21.
Variant type: Microsatellite.
Coding change: c.139_140del on transcript NM_172250.3 (MANE Select); coding-DNA positions 139 to 140, 2 bases deleted (CT; older notation c.139_140delCT).
Protein change: p.Leu47fs; shifts the reading frame from leucine 47.
Molecular consequence: frameshift variant.
Genome position (GRCh38, 1-based): chr4:145,639,278-145,639,279, CT deleted; deleting any 2 consecutive bases within chr4:145,639,275-145,639,279 gives the same sequence; the c. name uses the placement nearest the transcript's 3' end. VCF-style (leftmost placement, unchanged base first): chr4-145639274-TTC-T. GRCh37 (hg19) VCF-style: chr4-146560426-TTC-T.
Other names: c.139_140del, p.Leu47fs (NM_001375644.1); short protein forms L47fs.
Identifiers: ClinVar variation 570176 (VCV000570176.6), dbSNP rs1560795828, ClinGen allele CA891843061.

ClinVar aggregate classification (germline): Pathogenic (1 of 4 stars; one submission).

Conditions:
Methylmalonic aciduria, cblA type (MACA). Also called: Vitamin B12-responsive methylmalonic acidemia type cblA; Methylmalonic aciduria, vitamin b12-responsive, due to defect in synthesis of adenosylcobalamin, cbla complementation type; MMA cbl A type; Methylmalonic acidemia cblA type; Methylmalonic aciduria, vitamin B12-responsive. Identifiers: Orphanet 28, Orphanet 79310, MedGen C1855109, MONDO:0009613, OMIM 251100.

Submission:

Labcorp Genetics (formerly Invitae), Labcorp
Classification: Pathogenic for Methylmalonic aciduria, cblA type. Last evaluated: 2018-05-06. Review status: criteria provided, single submitter. Criteria: Invitae Variant Classification Sherloc (09022015). Collection method: clinical testing. Allele origin: germline.
Comment: This sequence change creates a premature translational stop signal (p.Leu47Trpfs*33) in the MMAA gene. It is expected to result in an absent or disrupted protein product. This variant is not present in population databases (ExAC no frequency). This variant has not been reported in the literature in individuals with MMAA-related disease. Loss-of-function variants in MMAA are known to be pathogenic (PMID: 15523652, 15781192). For these reasons, this variant has been classified as Pathogenic.

Literature cited by the submitters: PubMed 15523652; PubMed 15781192.